The following is an entry in ClinVar:

NM_002936.6(RNASEH1):c.408G>A (p.Met136Ile)

Gene: RNASEH1 (ribonuclease H1; minus strand). Cytogenetic location: 2p25.3.
Variant type: single nucleotide variant.
Coding change: c.408G>A on transcript NM_002936.6 (MANE Select); coding-DNA position 408, G replaced by A.
Protein change: p.Met136Ile; replaces methionine 136 with isoleucine.
Molecular consequence: missense variant. On other transcripts: non-coding transcript variant (6).
Genome position (GRCh38, 1-based): chr2:3,552,145, C>T on the plus strand (G>A on the coding strand, the complement: RNASEH1 is on the minus strand). VCF-style: chr2-3552145-C-T. GRCh37 (hg19) VCF-style: chr2-3599735-C-T.
Other names: c.330G>A, p.Met110Ile (NM_001286834.3); c.57G>A, p.Met19Ile (NM_001286837.3); c.408G>A, p.Met136Ile (NM_001378271.1, NM_001378272.1, NM_001378273.1); short protein forms M110I, M136I, M19I.
Identifiers: ClinVar variation 2503336 (VCV002503336.3), dbSNP rs757784349, ClinGen allele CA1516290.

ClinVar aggregate classification (germline): Uncertain significance. Review status: criteria provided, multiple submitters, no conflicts (2 of 4 stars). 2 submissions from 2 submitters: Uncertain significance (2). Last evaluated 2022-11-25.

Allele frequency attached by ClinVar (database versions not stated): ExAC 0.00003; TOPMed 0.00003; gnomAD 0.00004; gnomAD exomes 0.00004.

Submissions (2):

GeneDx
Classification: Uncertain significance. Last evaluated: 2022-11-25. Review status: criteria provided, single submitter. Criteria: GeneDx Variant Classification Process June 2021. Collection method: clinical testing. Allele origin: germline. Affected: yes.
Comment: Not observed at significant frequency in large population cohorts (gnomAD); In silico analysis supports that this missense variant does not alter protein structure/function; Has not been previously published as pathogenic or benign to our knowledge

Labcorp Genetics (formerly Invitae), Labcorp
Classification: Uncertain significance. Last evaluated: 2022-10-30. Review status: criteria provided, single submitter. Criteria: Invitae Variant Classification Sherloc (09022015). Collection method: clinical testing. Allele origin: germline.
Comment: In summary, the available evidence is currently insufficient to determine the role of this variant in disease. Therefore, it has been classified as a Variant of Uncertain Significance. Algorithms developed to predict the effect of sequence changes on RNA splicing suggest that this variant may disrupt the consensus splice site. Algorithms developed to predict the effect of missense changes on protein structure and function (SIFT, PolyPhen-2, Align-GVGD) all suggest that this variant is likely to be tolerated. This variant has not been reported in the literature in individuals affected with RNASEH1-related conditions. This variant is present in population databases (rs757784349, gnomAD 0.007%). This sequence change replaces methionine, which is neutral and non-polar, with isoleucine, which is neutral and non-polar, at codon 136 of the RNASEH1 protein (p.Met136Ile).